The following is an entry in ClinVar:

NM_004036.5(ADCY3):c.603C>T (p.His201=)

Gene: ADCY3 (adenylate cyclase 3; minus strand). Cytogenetic location: 2p23.3.
Variant type: single nucleotide variant.
Coding change: c.603C>T on transcript NM_004036.5 (MANE Select); coding-DNA position 603, C replaced by T.
Protein change: p.His201=; no amino-acid change (histidine 201 retained).
Molecular consequence: synonymous variant.
Genome position (GRCh38, 1-based): chr2:24,918,385, G>A on the plus strand (C>T on the coding strand, the complement: ADCY3 is on the minus strand). VCF-style: chr2-24918385-G-A. GRCh37 (hg19) VCF-style: chr2-25141254-G-A.
Other names: c.603C>T, p.His201= (NM_001320613.2, NM_001377128.1, NM_001377129.1 and 2 more transcripts).
Identifiers: ClinVar variation 3349294 (VCV003349294.1).
Genomic context (GRCh38, chr2:24,918,385, plus strand): 5'-CTGCATCCCCTTGAGCTCCTCCTGCTGCTGCTGGGCCACGGTGACCCCCAGGACCAACGT[G>A]TGCACCACACAGGAGACCACGGAGATGATCACGATGGGGCTGAGGCTGAGGGGCAGCGTG-3'
Protein context (NP_004027.2, residues 191-211): VIISVVSCVV[His201=]TLVLGVTVAQ

ClinVar aggregate classification (germline): Likely benign (0 of 4 stars; one submission).

Conditions:
ADCY3-related disorder. Also called: ADCY3-related condition.

gnomAD v4.1: 1 of 1,613,250 alleles (0.000062%); highest among the groups gnomAD compares: Non-Finnish European, 0.000085%; no homozygotes.

Submission:

PreventionGenetics, part of Exact Sciences
Classification: Likely benign for ADCY3-related condition. Last evaluated: 2021-05-05. Review status: no assertion criteria provided. Collection method: clinical testing. Allele origin: germline.
Comment: This variant is classified as likely benign based on ACMG/AMP sequence variant interpretation guidelines (Richards et al. 2015 PMID: 25741868, with internal and published modifications).